The following is an entry in ClinVar:

NM_000059.4(BRCA2):c.3703C>T (p.Gln1235Ter)

Gene: BRCA2 (BRCA2 DNA repair associated; plus strand). Cytogenetic location: 13q13.1.
Variant type: single nucleotide variant.
Coding change: c.3703C>T on transcript NM_000059.4 (MANE Select); coding-DNA position 3703, C replaced by T.
Protein change: p.Gln1235Ter; replaces glutamine 1235 with a stop codon.
Molecular consequence: nonsense.
Genome position (GRCh38, 1-based): chr13:32,338,058, C>T. VCF-style: chr13-32338058-C-T. GRCh37 (hg19) VCF-style: chr13-32912195-C-T.
Other names: short protein forms Q1235*.
Identifiers: ClinVar variation 545990 (VCV000545990.17), dbSNP rs1555283366, ClinGen allele CA387778051.
Genomic context (GRCh38, chr13:32,338,058, plus strand): 5'-GGGTTTAGGGGCTTTTATTCTGCTCATGGCACAAAACTGAATGTTTCTACTGAAGCTCTG[C>T]AAAAAGCTGTGAAACTGTTTAGTGATATTGAGAATATTAGTGAGGAAACTTCTGCAGAGG-3'

ClinVar aggregate classification (germline): Pathogenic/Likely pathogenic. Review status: criteria provided, multiple submitters, no conflicts (2 of 4 stars). 5 submissions from 5 submitters: Pathogenic (4); Likely pathogenic (1). Last evaluated 2024-01-07.

Conditions:
Hereditary breast ovarian cancer syndrome. Also called: Hereditary breast and ovarian cancer; Hereditary breast and/or ovarian cancer syndrome; Hereditary breast and ovarian cancer syndrome; Hereditary breast and ovarian cancer syndrome (HBOC); Breast and ovarian cancer; BRCA1- and BRCA2-Associated Hereditary Breast and Ovarian Cancer. Identifiers: Orphanet 145, MedGen C0677776, MeSH D061325, MONDO:0003582. Disease mechanism: loss of function.
Hereditary cancer-predisposing syndrome. Also called: Neoplastic Syndromes, Hereditary; Hereditary Cancer Syndrome; Tumor predisposition; Hereditary neoplastic syndrome. Identifiers: Orphanet 140162, MedGen C0027672, MeSH D009386, MONDO:0015356.

Allele frequency attached by ClinVar (database versions not stated): gnomAD exomes below 0.00001.
gnomAD v4.1: 1 of 1,610,492 alleles (0.000062%); highest among the groups gnomAD compares: Non-Finnish European, 0.000085%; no homozygotes.

Submissions (5):

Labcorp Genetics (formerly Invitae), Labcorp
Classification: Pathogenic for Hereditary breast ovarian cancer syndrome. Last evaluated: 2024-01-07. Review status: criteria provided, single submitter. Criteria: Invitae Variant Classification Sherloc (09022015). Collection method: clinical testing. Allele origin: germline.
Comment: This sequence change creates a premature translational stop signal (p.Gln1235*) in the BRCA2 gene. It is expected to result in an absent or disrupted protein product. Loss-of-function variants in BRCA2 are known to be pathogenic (PMID: 20104584). This variant is not present in population databases (gnomAD no frequency). This variant has not been reported in the literature in individuals affected with BRCA2-related conditions. ClinVar contains an entry for this variant (Variation ID: 545990). For these reasons, this variant has been classified as Pathogenic.

Ambry Genetics
Classification: Pathogenic for Hereditary cancer-predisposing syndrome. Last evaluated: 2023-01-30. Review status: criteria provided, single submitter. Criteria: Ambry Variant Classification Scheme 2023. Collection method: clinical testing. Allele origin: germline.
Comment: The p.Q1235* pathogenic mutation (also known as c.3703C>T), located in coding exon 10 of the BRCA2 gene, results from a C to T substitution at nucleotide position 3703. This changes the amino acid from a glutamine to a stop codon within coding exon 10. This alteration is expected to result in loss of function by premature protein truncation or nonsense-mediated mRNA decay. As such, this alteration is interpreted as a disease-causing mutation.

Research Institute, Aichi Cancer Center
Classification: Pathogenic for Hereditary breast ovarian cancer syndrome. Last evaluated: 2022-02-01. Review status: criteria provided, single submitter. Criteria: ACMG Guidelines, 2015. Collection method: research. Allele origin: germline. Affected: yes. Observed: 1 variant allele.

Women's Health and Genetics/Laboratory Corporation of America, LabCorp
Classification: Likely pathogenic for Hereditary breast and ovarian cancer syndrome. Last evaluated: 2018-05-21. Review status: criteria provided, single submitter. Criteria: LabCorp Variant Classification Summary - May 2015. Collection method: clinical testing. Allele origin: germline.
Comment: Variant summary: BRCA2 c.3703C>T (p.Gln1235X) results in a premature termination codon, predicted to cause a truncation of the encoded protein or absence of the protein due to nonsense mediated decay, which are commonly known mechanisms for disease. Truncations downstream of this position have been classified as pathogenic by our laboratory (eg. c.3744_3747delTGAG, p.Ser1248fsX10; c.3785C>A, p.Ser1262X; c.3847_3848delGT, p.Val1283fsX2). The variant was absent in 120326 control chromosomes. To our knowledge, no occurrence of c.3703C>T in individuals affected with Hereditary Breast and Ovarian Cancer and no experimental evidence demonstrating its impact on protein function have been reported. No clinical diagnostic laboratories have submitted clinical-significance assessments for this variant to ClinVar after 2014. Based on the evidence outlined above, the variant was classified as likely pathogenic.

GeneDx
Classification: Pathogenic. Last evaluated: 2017-03-08. Review status: criteria provided, single submitter. Criteria: GeneDx Variant Classification (06012015). Collection method: clinical testing. Allele origin: germline. Affected: yes.
Comment: This variant is denoted BRCA2 c.3703C>T at the cDNA level and p.Gln1235Ter (Q1235X) at the protein level. The substitution creates a nonsense variant, which changes a Glutamine to a premature stop codon (CAA>TAA), and is predicted to cause loss of normal protein function through either protein truncation or nonsense-mediated mRNA decay. Although this variant has not, to our knowledge, been reported in the literature, it is considered pathogenic.

Literature cited by the submitters: PubMed 20104584 (cited by Labcorp Genetics (formerly Invitae), Labcorp).